The following is an entry in ClinVar:

ClinVar aggregate classification (germline): Likely benign (1 of 4 stars; one submission).

Allele frequency attached by ClinVar (database versions not stated): gnomAD 0.00012; TOPMed 0.00014; gnomAD exomes 0.00021; ESP Exome Variant Server 0.00023; ExAC 0.00024.

Submission:

CeGaT Center for Human Genetics Tuebingen
Classification: Likely benign. Last evaluated: 2022-09-01. Review status: criteria provided, single submitter. Criteria: CeGaT Center For Human Genetics Tuebingen Variant Classification Criteria Version 2. Collection method: clinical testing. Allele origin: germline. Affected: yes. Observed: 1 variant allele.
Comment: MUC2: BP4, BP7

NM_002457.5(MUC2):c.13314G>A (p.Pro4438=)

Gene: MUC2 (mucin 2, oligomeric mucus/gel-forming; plus strand). Cytogenetic location: 11p15.5.
Variant type: single nucleotide variant.
Coding change: c.13314G>A on transcript NM_002457.5 (MANE Select); coding-DNA position 13314, G replaced by A.
Protein change: p.Pro4438=; no amino-acid change (proline 4438 retained).
Molecular consequence: synonymous variant.
Genome position (GRCh38, 1-based): chr11:1,102,442, G>A. VCF-style: chr11-1102442-G-A. GRCh37 (hg19) VCF-style: chr11-1096350-G-A.
Identifiers: ClinVar variation 2641157 (VCV002641157.24), dbSNP rs201567867, ClinGen allele CA5800796.